The following is an entry in ClinVar:

NM_020822.3(KCNT1):c.2270C>T (p.Ser757Leu)

Gene: KCNT1 (potassium sodium-activated channel subfamily T member 1; plus strand). Cytogenetic location: 9q34.3.
Variant type: single nucleotide variant.
Coding change: c.2270C>T on transcript NM_020822.3 (MANE Select); coding-DNA position 2270, C replaced by T.
Protein change: p.Ser757Leu; replaces serine 757 with leucine.
Molecular consequence: missense variant.
Genome position (GRCh38, 1-based): chr9:135,775,336, C>T. VCF-style: chr9-135775336-C-T. GRCh37 (hg19) VCF-style: chr9-138667182-C-T.
Other names: c.2135C>T, p.Ser712Leu (NM_001272003.2); short protein forms S712L, S757L.
Identifiers: ClinVar variation 652819 (VCV000652819.11), dbSNP rs775923151, ClinGen allele CA5327245.

ClinVar aggregate classification (germline): Uncertain significance. Review status: criteria provided, multiple submitters, no conflicts (2 of 4 stars). 2 submissions from 2 submitters: Uncertain significance (2). Last evaluated 2024-10-06.

Conditions:
Autosomal dominant nocturnal frontal lobe epilepsy 5. Also called: Epilepsy, nocturnal frontal lobe, 5; KCNT1-Related Epilepsy; CILIARY DYSKINESIA, PRIMARY, 28, WITHOUT SITUS INVERSUS; CILIARY DYSKINESIA, PRIMARY, 28, WITH SITUS INVERSUS. Identifiers: Orphanet 98784, MedGen C3554306, MONDO:0014002, OMIM 615005.
Developmental and epileptic encephalopathy, 14 (DEE14). Also called: Early infantile epileptic encephalopathy 14. Identifiers: Orphanet 293181, MedGen C3554195, MONDO:0013989, OMIM 614959.

Allele frequency attached by ClinVar (database versions not stated): ExAC 0.00004; gnomAD 0.00004 and 0.00005; gnomAD exomes 0.00003.
gnomAD v4.1: 46 of 1,609,174 alleles (0.0029%); highest among the groups gnomAD compares: Non-Finnish European, 0.0025%; no homozygotes.

Submissions (2):

Labcorp Genetics (formerly Invitae), Labcorp
Classification: Uncertain significance for Autosomal dominant nocturnal frontal lobe epilepsy 5; Developmental and epileptic encephalopathy, 14. Last evaluated: 2024-10-06. Review status: criteria provided, single submitter. Criteria: Invitae Variant Classification Sherloc (09022015). Collection method: clinical testing. Allele origin: germline.
Comment: This sequence change replaces serine, which is neutral and polar, with leucine, which is neutral and non-polar, at codon 757 of the KCNT1 protein (p.Ser757Leu). This variant is present in population databases (rs775923151, gnomAD 0.03%). This variant has not been reported in the literature in individuals affected with KCNT1-related conditions. ClinVar contains an entry for this variant (Variation ID: 652819). Invitae Evidence Modeling of protein sequence and biophysical properties (such as structural, functional, and spatial information, amino acid conservation, physicochemical variation, residue mobility, and thermodynamic stability) indicates that this missense variant is not expected to disrupt KCNT1 protein function with a negative predictive value of 80%. In summary, the available evidence is currently insufficient to determine the role of this variant in disease. Therefore, it has been classified as a Variant of Uncertain Significance.

Revvity Omics, Revvity
Classification: Uncertain significance. Last evaluated: 2019-06-03. Review status: criteria provided, single submitter. Criteria: ACMG Guidelines, 2015. Collection method: clinical testing. Allele origin: germline.